The following is an entry in ClinVar:

ClinVar aggregate classification (germline): Uncertain significance (1 of 4 stars; one submission).

Conditions:
ALMS1-related disorder. Also called: ALMS1-related condition.

gnomAD v4.1: 1 of 1,614,112 alleles (0.000062%); highest among the groups gnomAD compares: African/African-American, 0.0013%; no homozygotes.

Submission:

PreventionGenetics, part of Exact Sciences
Classification: Uncertain significance for ALMS1-related condition. Last evaluated: 2026-02-04. Review status: criteria provided, single submitter. Criteria: ACMG Guidelines, 2015. Collection method: clinical testing. Allele origin: germline.
Comment: The ALMS1 c.3628A>G variant is predicted to result in the amino acid substitution p.Ile1210Val. To our knowledge, this variant has not been reported in the literature. This variant is reported in 0.00088% of alleles in individuals of European (Non-Finnish) descent in gnomAD. At this time, the clinical significance of this variant is uncertain due to the absence of conclusive functional and genetic evidence.

NM_001378454.1(ALMS1):c.3625A>G (p.Ser1209Gly)

Gene: ALMS1 (ALMS1 centrosome and basal body associated protein; plus strand). Cytogenetic location: 2p13.1.
Variant type: single nucleotide variant.
Coding change: c.3625A>G on transcript NM_001378454.1 (MANE Select); coding-DNA position 3625, A replaced by G.
Protein change: p.Ser1209Gly; replaces serine 1209 with glycine.
Molecular consequence: missense variant.
Genome position (GRCh38, 1-based): chr2:73,450,152, A>G. VCF-style: chr2-73450152-A-G. GRCh37 (hg19) VCF-style: chr2-73677279-A-G.
Other names: c.3628A>G, p.Ser1210Gly (NM_015120.4); short protein forms S1210G, S1209G.
Identifiers: ClinVar variation 4979579 (VCV004979579.1).
Genomic context (GRCh38, chr2:73,450,152, plus strand): 5'-TCTACCTTCTACTCACAAAGAGAGAAACCTGGTATTTTCTATCAACAGACCTTGCCAGGT[A>G]GTCACATACCTGAAGAGGCACAGAAAGTTTCACCTGTTCTTGGACCAGCTGACCAGAAGA-3'
Protein context (NP_001365383.1, residues 1199-1219): GIFYQQTLPG[Ser1209Gly]HIPEEAQKVS